The following is an entry in ClinVar:

ClinVar aggregate classification (germline): Uncertain significance (1 of 4 stars; one submission).

Conditions:
Inborn genetic diseases. Identifiers: MedGen C0950123, MeSH D030342.

Submission:

Ambry Genetics
Classification: Uncertain significance for Inborn genetic diseases. Last evaluated: 2026-01-10. Review status: criteria provided, single submitter. Criteria: Ambry Variant Classification Scheme 2023. Collection method: clinical testing. Allele origin: germline.
Comment: The p.D5N variant (also known as c.13G>A), located in coding exon 1 of the HAX1 gene, results from a G to A substitution at nucleotide position 13. The aspartic acid at codon 5 is replaced by asparagine, an amino acid with highly similar properties. This amino acid position is conserved. In addition, this alteration is predicted to be tolerated by in silico analysis. Based on the available evidence, the clinical significance of this variant remains unclear.

NM_006118.4(HAX1):c.13G>A (p.Asp5Asn)

Gene: HAX1 (HCLS1 associated protein X-1; plus strand). Cytogenetic location: 1q21.3.
Variant type: single nucleotide variant.
Coding change: c.13G>A on transcript NM_006118.4 (MANE Select); coding-DNA position 13, G replaced by A.
Protein change: p.Asp5Asn; replaces aspartic acid 5 with asparagine.
Molecular consequence: missense variant.
Genome position (GRCh38, 1-based): chr1:154,272,736, G>A. VCF-style: chr1-154272736-G-A. GRCh37 (hg19) VCF-style: chr1-154245212-G-A.
Other names: c.13G>A, p.Asp5Asn (NM_001018837.2); short protein forms D5N.
Identifiers: ClinVar variation 4842735 (VCV004842735.1).